The following is an entry in ClinVar:

ClinVar aggregate classification (germline): Uncertain significance (1 of 4 stars; one submission).

Submission:

GeneDx
Classification: Uncertain significance. Last evaluated: 2023-07-27. Review status: criteria provided, single submitter. Criteria: GeneDx Variant Classification Process June 2021. Collection method: clinical testing. Allele origin: germline. Affected: yes.
Comment: Not observed at significant frequency in large population cohorts (gnomAD); In silico analysis supports that this missense variant does not alter protein structure/function; Has not been previously published as pathogenic or benign to our knowledge

NM_153252.5(BRWD3):c.2624C>T (p.Thr875Ile)

Gene: BRWD3 (bromodomain and WD repeat domain containing 3; minus strand). Cytogenetic location: Xq21.1.
Variant type: single nucleotide variant.
Coding change: c.2624C>T on transcript NM_153252.5 (MANE Select); coding-DNA position 2624, C replaced by T.
Protein change: p.Thr875Ile; replaces threonine 875 with isoleucine.
Molecular consequence: missense variant.
Genome position (GRCh38, 1-based): chrX:80,704,775, G>A on the plus strand (C>T on the coding strand, the complement: BRWD3 is on the minus strand). VCF-style: chrX-80704775-G-A. GRCh37 (hg19) VCF-style: chrX-79960274-G-A.
Other names: short protein forms T875I.
Identifiers: ClinVar variation 3361426 (VCV003361426.1).